The following is an entry in ClinVar:

NM_001376.5(DYNC1H1):c.8655C>G (p.Asp2885Glu)

Gene: DYNC1H1 (dynein cytoplasmic 1 heavy chain 1; plus strand). Cytogenetic location: 14q32.31.
Variant type: single nucleotide variant.
Coding change: c.8655C>G on transcript NM_001376.5 (MANE Select); coding-DNA position 8655, C replaced by G.
Protein change: p.Asp2885Glu; replaces aspartic acid 2885 with glutamic acid.
Molecular consequence: missense variant.
Genome position (GRCh38, 1-based): chr14:102,026,591, C>G. VCF-style: chr14-102026591-C-G. GRCh37 (hg19) VCF-style: chr14-102492928-C-G.
Other names: short protein forms D2885E.
Identifiers: ClinVar variation 4885836 (VCV004885836.2).

ClinVar aggregate classification (germline): Uncertain significance (1 of 4 stars; one submission).

Submission:

Dasa
Classification: Uncertain significance. Last evaluated: 2024-09-30. Review status: criteria provided, single submitter. Criteria: DASA Assertion Criteria. Collection method: clinical testing. Allele origin: germline.
Comment: NM_001376.5(DYNC1H1):c.8655C>G (p.Asp2885Glu) is a missense variant that results in the substitution of aspartic acid with glutamic acid. This variant is absent from population databases. Computational prediction algorithms are consistent with a benign effect. The currently available literature and clinical evidence are not sufficient to establish a definitive association between this variant and the reported condition. Therefore, this variant is classified as a variant of uncertain significance.